The following is an entry in ClinVar:

NM_001375524.1(TRRAP):c.6904C>T (p.Arg2302Cys)

Gene: TRRAP (transformation/transcription domain associated protein; plus strand). Cytogenetic location: 7q22.1.
Variant type: single nucleotide variant.
Coding change: c.6904C>T on transcript NM_001375524.1 (MANE Select); coding-DNA position 6904, C replaced by T.
Protein change: p.Arg2302Cys; replaces arginine 2302 with cysteine.
Molecular consequence: missense variant.
Genome position (GRCh38, 1-based): chr7:98,964,703, C>T. VCF-style: chr7-98964703-C-T. GRCh37 (hg19) VCF-style: chr7-98562326-C-T.
Other names: c.6883C>T, p.Arg2295Cys (NM_001244580.2); c.6829C>T, p.Arg2277Cys (NM_003496.4); short protein forms R2277C, R2295C, R2302C.
Identifiers: ClinVar variation 3364529 (VCV003364529.1).

ClinVar aggregate classification (germline): Uncertain significance (1 of 4 stars; one submission).

gnomAD v4.1: 1 of 1,613,864 alleles (0.000062%); highest among the groups gnomAD compares: Non-Finnish European, 0.000085%; no homozygotes.

Submission:

GeneDx
Classification: Uncertain significance. Last evaluated: 2023-11-16. Review status: criteria provided, single submitter. Criteria: GeneDx Variant Classification Process June 2021. Collection method: clinical testing. Allele origin: germline. Affected: yes.
Comment: Has not been previously published as pathogenic or benign to our knowledge; Not observed at significant frequency in large population cohorts (gnomAD); In silico analysis supports that this missense variant has a deleterious effect on protein structure/function; In silico analysis suggests this variant may impact gene splicing. In the absence of RNA/functional studies, the actual effect of this sequence change is unknown